The following is an entry in ClinVar:

NM_014975.3(MAST1):c.18del (p.Leu5_Trp6insTer)

Genes: MAST1 (microtubule associated serine/threonine kinase 1; plus strand), LOC130063671 (ATAC-STARR-seq lymphoblastoid silent region 10178; plus strand). Cytogenetic location: 19p13.13.
Variant type: Deletion.
Coding change: c.18del on transcript NM_014975.3 (MANE Select); coding-DNA position 18, one base deleted (G; older notation c.18delG).
Protein change: p.Leu5_Trp6insTer.
Molecular consequence: nonsense.
Genome position (GRCh38, 1-based): chr19:12,838,590, G deleted; the last of 2 consecutive G bases (chr19:12,838,589-12,838,590); deleting either gives the same sequence. VCF-style (leftmost placement, unchanged base first): chr19-12838588-TG-T. GRCh37 (hg19) VCF-style: chr19-12949402-TG-T.
Identifiers: ClinVar variation 4538724 (VCV004538724.2).

ClinVar aggregate classification (germline): Uncertain significance (1 of 4 stars; one submission).

Submission:

GeneDx
Classification: Uncertain significance. Last evaluated: 2026-09-23. Review status: criteria provided, single submitter. Criteria: GeneDx Variant Classification Process June 2021. Collection method: clinical testing. Allele origin: germline.
Comment: Nonsense variant predicted to result in protein truncation or nonsense mediated decay in a gene or region of a gene for which loss of function is not a well-established mechanism of disease; Has not been previously published as pathogenic or benign to our knowledge